The following is an entry in ClinVar:

NM_025237.3(SOST):c.-10G>A

Gene: SOST (sclerostin; minus strand). Cytogenetic location: 17q21.31.
Variant type: single nucleotide variant.
Coding change: c.-10G>A on transcript NM_025237.3 (MANE Select); 10 bases upstream of the start codon, G replaced by A.
Molecular consequence: 5 prime UTR variant.
Genome position (GRCh38, 1-based): chr17:43,758,751, C>T on the plus strand (G>A on the coding strand, the complement: SOST is on the minus strand). VCF-style: chr17-43758751-C-T. GRCh37 (hg19) VCF-style: chr17-41836119-C-T.
Identifiers: ClinVar variation 193461 (VCV000193461.12), dbSNP rs190743758, ClinGen allele CA200597.

ClinVar aggregate classification (germline): Likely benign. Review status: criteria provided, multiple submitters, no conflicts (2 of 4 stars). 4 submissions from 4 submitters: Likely benign (3). 1 of the submissions does not count toward it. Last evaluated 2018-01-13.

Conditions:
Sclerosteosis 1 (SOST1). Also called: CORTICAL HYPEROSTOSIS WITH SYNDACTYLY. Identifiers: Orphanet 3152, MedGen C4551483, MONDO:0010016, OMIM 269500.
SOST-related disorder. Also called: SOST-related condition.

Allele frequency attached by ClinVar (database versions not stated): gnomAD exomes 0.00069 and 0.00131; ExAC 0.00140; gnomAD 0.00246 and 0.00262; 1000 Genomes Project 0.00260; 1000 Genomes Project 30x 0.00265; TOPMed 0.00328; ESP Exome Variant Server 0.00384.

Submissions (4):

Illumina Laboratory Services, Illumina
Classification: Likely benign for Sclerosteosis 1. Last evaluated: 2018-01-13. Review status: criteria provided, single submitter. Criteria: ICSL Variant Classification Criteria 13 December 2019. Collection method: clinical testing. Allele origin: germline.
Comment: This variant was observed in the ICSL laboratory as part of a predisposition screen in an ostensibly healthy population. It had not been previously curated by ICSL or reported in the Human Gene Mutation Database (HGMD: prior to June 1st, 2018), and was therefore a candidate for classification through an automated scoring system. Utilizing variant allele frequency, disease prevalence and penetrance estimates, and inheritance mode, an automated score was calculated to assess if this variant is too frequent to cause the disease. Based on the score and internal cut-off values, a variant classified as likely benign is not then subjected to further curation. The score for this variant resulted in a classification of likely benign for this disease.

Eurofins Ntd Llc (ga)
Classification: Likely benign. Last evaluated: 2014-10-29. Review status: criteria provided, single submitter. Criteria: EGL Classification Definitions 2015. Collection method: clinical testing. Allele origin: germline. Observed: 2 variant alleles, 2 heterozygotes.

Breakthrough Genomics
Classification: Likely benign. Review status: criteria provided, single submitter. Criteria: ACMG Guidelines, 2015. Collection method: not provided. Allele origin: germline. Inheritance: Autosomal recessive inheritance. Affected: yes.

PreventionGenetics, part of Exact Sciences
Classification: Benign for SOST-related condition. Last evaluated: 2019-05-08. Review status: no assertion criteria provided. Collection method: clinical testing. Allele origin: germline. Not counted in ClinVar's aggregate classification.
Comment: This variant is classified as benign based on ACMG/AMP sequence variant interpretation guidelines (Richards et al. 2015 PMID: 25741868, with internal and published modifications).